The following is an entry in ClinVar:

ClinVar aggregate classification (germline): Pathogenic. Review status: criteria provided, multiple submitters, no conflicts (2 of 4 stars). 3 submissions from 3 submitters: Pathogenic (3). Last evaluated 2025-09-17.

Conditions:
Familial adenomatous polyposis 4 (FAP4). Also called: MSH3-related attenuated familial adenomatous polyposis. Identifiers: Orphanet 480536, MedGen C4310719, MONDO:0044300, OMIM 617100.
Hereditary cancer-predisposing syndrome. Also called: Hereditary neoplastic syndrome; Tumor predisposition; Neoplastic Syndromes, Hereditary; Hereditary Cancer Syndrome. Identifiers: Orphanet 140162, MedGen C0027672, MeSH D009386, MONDO:0015356.

Allele frequency attached by ClinVar (database versions not stated): gnomAD 0.00001; ExAC 0.00002; gnomAD exomes 0.00003.
gnomAD v4.1: 18 of 1,614,004 alleles (0.0011%); no homozygotes.

Submissions (3):

Labcorp Genetics (formerly Invitae), Labcorp
Classification: Pathogenic. Last evaluated: 2025-09-17. Review status: criteria provided, single submitter. Criteria: Invitae Variant Classification Sherloc (09022015). Collection method: clinical testing. Allele origin: germline.
Comment: This sequence change creates a premature translational stop signal (p.Glu233*) in the MSH3 gene. It is expected to result in an absent or disrupted protein product. Loss-of-function variants in MSH3 are known to be pathogenic (PMID: 27476653, 37402566). This variant is present in population databases (rs756632960, gnomAD 0.04%). This variant has not been reported in the literature in individuals affected with MSH3-related conditions. ClinVar contains an entry for this variant (Variation ID: 657023). For these reasons, this variant has been classified as Pathogenic.

Myriad Genetics, Inc.
Classification: Pathogenic for Familial adenomatous polyposis 4. Last evaluated: 2025-02-18. Review status: criteria provided, single submitter. Criteria: Myriad Autosomal Dominant, Autosomal Recessive and X-Linked Classification Criteria (2023). Collection method: clinical testing. Allele origin: unknown.
Comment: This variant is considered pathogenic. This variant creates a termination codon and is predicted to result in premature protein truncation.

Ambry Genetics
Classification: Pathogenic for Hereditary cancer-predisposing syndrome. Last evaluated: 2023-11-27. Review status: criteria provided, single submitter. Criteria: Ambry Variant Classification Scheme 2023. Collection method: clinical testing. Allele origin: germline.
Comment: The p.E233* pathogenic mutation (also known as c.697G>T), located in coding exon 4 of the MSH3 gene, results from a G to T substitution at nucleotide position 697. This changes the amino acid from a glutamic acid to a stop codon within coding exon 4. This alteration is expected to result in loss of function by premature protein truncation or nonsense-mediated mRNA decay. As such, this alteration is interpreted as a disease-causing mutation.

Literature cited by the submitters: PubMed 27476653 (cited by Labcorp Genetics (formerly Invitae), Labcorp); PubMed 37402566 (cited by Labcorp Genetics (formerly Invitae), Labcorp).

NM_002439.5(MSH3):c.697G>T (p.Glu233Ter)

Gene: MSH3 (mutS homolog 3; plus strand). Cytogenetic location: 5q14.1.
Variant type: single nucleotide variant.
Coding change: c.697G>T on transcript NM_002439.5 (MANE Select); coding-DNA position 697, G replaced by T.
Protein change: p.Glu233Ter; replaces glutamic acid 233 with a stop codon.
Molecular consequence: nonsense.
Genome position (GRCh38, 1-based): chr5:80,670,214, G>T. VCF-style: chr5-80670214-G-T. GRCh37 (hg19) VCF-style: chr5-79966033-G-T.
Other names: c.697G>T (NM_002439.3); short protein forms E233*.
Identifiers: ClinVar variation 657023 (VCV000657023.8), dbSNP rs756632960, ClinGen allele CA3327681.